The following is an entry in ClinVar:

NM_001330260.2(SCN8A):c.4161C>G (p.Ile1387Met)

Gene: SCN8A (sodium voltage-gated channel alpha subunit 8; plus strand). Cytogenetic location: 12q13.13.
Variant type: single nucleotide variant.
Coding change: c.4161C>G on transcript NM_001330260.2 (MANE Select); coding-DNA position 4161, C replaced by G.
Protein change: p.Ile1387Met; replaces isoleucine 1387 with methionine.
Molecular consequence: missense variant.
Genome position (GRCh38, 1-based): chr12:51,786,760, C>G. VCF-style: chr12-51786760-C-G. GRCh37 (hg19) VCF-style: chr12-52180544-C-G.
Other names: c.4038C>G, p.Ile1346Met (NM_001177984.3, NM_001369788.1); c.4161C>G, p.Ile1387Met (NM_014191.4); short protein forms I1346M, I1387M.
Identifiers: ClinVar variation 4891524 (VCV004891524.1).
Genomic context (GRCh38, chr12:51,786,760, plus strand): 5'-TGAAGATGTCAACAATAAAACTGAATGTGAAAAGCTTATGGAGGGGAACAATACAGAGAT[C>G]AGATGGAAGAACGTGAAGATCAACTTTGACAATGTTGGGGCAGGATACCTGGCCCTTCTT-3'
Protein context (NP_001317189.1, residues 1377-1397): EKLMEGNNTE[Ile1387Met]RWKNVKINFD

ClinVar aggregate classification (germline): Likely pathogenic (1 of 4 stars; one submission).

Submission:

GeneDx
Classification: Likely pathogenic. Last evaluated: 2026-02-18. Review status: criteria provided, single submitter. Criteria: GeneDx Variant Classification Process June 2021. Collection method: clinical testing. Allele origin: germline.
Comment: Not observed at significant frequency in large population cohorts (gnomAD); In silico analysis supports that this missense variant does not alter protein structure/function; This substitution is predicted to be within the extracellular loop between the S5 and S6 transmembrane segments of the third homologous domain; Has not been previously published as pathogenic or benign to our knowledge